The following is an entry in ClinVar:

ClinVar aggregate classification (germline): Likely benign (1 of 4 stars; one submission).

Conditions:
NCOA1-related disorder. Also called: NCOA1-related condition.

gnomAD v4.1: 14 of 1,613,326 alleles (0.00087%); highest among the groups gnomAD compares: Admixed American, 0.0067%; no homozygotes.

Submission:

PreventionGenetics, part of Exact Sciences
Classification: Likely benign for NCOA1-related condition. Last evaluated: 2024-12-06. Review status: criteria provided, single submitter. Criteria: ACMG Guidelines, 2015. Collection method: clinical testing. Allele origin: germline.
Comment: This variant is classified as likely benign based on ACMG/AMP sequence variant interpretation guidelines (Richards et al. 2015 PMID: 25741868, with internal and published modifications).

NM_003743.5(NCOA1):c.702G>A (p.Glu234=)

Gene: NCOA1 (nuclear receptor coactivator 1; plus strand). Cytogenetic location: 2p23.3.
Variant type: single nucleotide variant.
Coding change: c.702G>A on transcript NM_003743.5 (MANE Select); coding-DNA position 702, G replaced by A.
Protein change: p.Glu234=; no amino-acid change (glutamic acid 234 retained).
Molecular consequence: synonymous variant.
Genome position (GRCh38, 1-based): chr2:24,691,650, G>A. VCF-style: chr2-24691650-G-A. GRCh37 (hg19) VCF-style: chr2-24914519-G-A.
Other names: c.702G>A, p.Glu234= (NM_001362950.1, NM_001362952.1, NM_001362954.1 and 3 more transcripts).
Identifiers: ClinVar variation 4989221 (VCV004989221.1).